The following is an entry in ClinVar:

ClinVar aggregate classification (germline): Pathogenic. Review status: criteria provided, multiple submitters, no conflicts (2 of 4 stars). 2 submissions from 2 submitters: Pathogenic (2). Last evaluated 2024-08-31.

Conditions:
Microcephaly, normal intelligence and immunodeficiency (NBS). Also called: SEEMANOVA SYNDROME II; Ataxia telangiectasia variant V1; BERLIN BREAKAGE SYNDROME; Immunodeficiency, microcephaly with normal intelligence; IMMUNODEFICIENCY, MICROCEPHALY, AND CHROMOSOMAL INSTABILITY; Nijmegen breakage syndrome. Identifiers: Orphanet 647, MedGen C0398791, MONDO:0009623, OMIM 251260.

Submissions (2):

Myriad Genetics, Inc.
Classification: Pathogenic for Microcephaly, normal intelligence and immunodeficiency. Last evaluated: 2024-08-31. Review status: criteria provided, single submitter. Criteria: Myriad Autosomal Dominant, Autosomal Recessive and X-Linked Classification Criteria (2023). Collection method: clinical testing. Allele origin: unknown.
Comment: NM_002485.4(NBN):c.1860delT(I620Mfs*37) is expected to be pathogenic in the context of Nijmegen breakage syndrome. This variant is predicted to lead to an abnormal or absent protein product due to the creation of a premature termination codon in NBN, a gene where loss-of-function variants are known to be pathogenic. Please note: this variant was assessed in the context of healthy population screening.

Labcorp Genetics (formerly Invitae), Labcorp
Classification: Pathogenic for Microcephaly, normal intelligence and immunodeficiency. Last evaluated: 2021-10-18. Review status: criteria provided, single submitter. Criteria: Invitae Variant Classification Sherloc (09022015). Collection method: clinical testing. Allele origin: germline.
Comment: For these reasons, this variant has been classified as Pathogenic. ClinVar contains an entry for this variant (Variation ID: 954667). This variant has not been reported in the literature in individuals affected with NBN-related conditions. This variant is not present in population databases (gnomAD no frequency). This sequence change creates a premature translational stop signal (p.Ile620Metfs*37) in the NBN gene. It is expected to result in an absent or disrupted protein product. Loss-of-function variants in NBN are known to be pathogenic (PMID: 9590180, 16415040).

Literature cited by the submitters: PubMed 9590180 (cited by Labcorp Genetics (formerly Invitae), Labcorp); PubMed 16415040 (cited by Labcorp Genetics (formerly Invitae), Labcorp).

NM_002485.5(NBN):c.1860del (p.Ile620fs)

Genes: NBN (nibrin; minus strand), LOC126860438 (MED14-independent group 3 enhancer GRCh37_chr8:90959982-90961181; plus strand). Cytogenetic location: 8q21.3.
Variant type: Deletion.
Coding change: c.1860del on transcript NM_002485.5 (MANE Select); coding-DNA position 1860, one base deleted (T; older notation c.1860delT).
Protein change: p.Ile620fs; shifts the reading frame from isoleucine 620.
Molecular consequence: frameshift variant.
Genome position (GRCh38, 1-based): chr8:89,947,878, A deleted on the plus strand (T on the coding strand, the reverse complement: NBN is on the minus strand); the first of 2 consecutive A bases (chr8:89,947,878-89,947,879); deleting either gives the same sequence. VCF-style (leftmost placement, unchanged base first): chr8-89947877-CA-C. GRCh37 (hg19) VCF-style: chr8-90960105-CA-C.
Other names: c.1614del, p.Ile538fs (NM_001024688.3); short protein forms I620fs, I538fs.
Identifiers: ClinVar variation 954667 (VCV000954667.9), dbSNP rs1810270891, ClinGen allele CA1139660639.